The following is an entry in ClinVar:

ClinVar aggregate classification (germline): Uncertain significance (1 of 4 stars; one submission).

Conditions:
TCF20-related disorder. Also called: TCF20-related condition.

Submission:

PreventionGenetics, part of Exact Sciences
Classification: Uncertain significance for TCF20-related condition. Last evaluated: 2026-06-24. Review status: criteria provided, single submitter. Criteria: ACMG Guidelines, 2015. Collection method: clinical testing. Allele origin: germline.
Comment: The TCF20 c.679A>G variant is predicted to result in the amino acid substitution p.Arg227Gly. To our knowledge, this variant has not been reported in the literature or in a large population database (gnomAD), indicating this variant is rare. At this time, the clinical significance of this variant is uncertain due to the absence of conclusive functional and genetic evidence.

NM_001378418.1(TCF20):c.679A>G (p.Arg227Gly)

Gene: TCF20 (transcription factor 20; minus strand). Cytogenetic location: 22q13.2.
Variant type: single nucleotide variant.
Coding change: c.679A>G on transcript NM_001378418.1 (MANE Select); coding-DNA position 679, A replaced by G.
Protein change: p.Arg227Gly; replaces arginine 227 with glycine.
Molecular consequence: missense variant.
Genome position (GRCh38, 1-based): chr22:42,214,627, T>C on the plus strand (A>G on the coding strand, the complement: TCF20 is on the minus strand). VCF-style: chr22-42214627-T-C. GRCh37 (hg19) VCF-style: chr22-42610633-T-C.
Other names: c.679A>G, p.Arg227Gly (NM_005650.4, NM_181492.3); short protein forms R227G.
Identifiers: ClinVar variation 2633399 (VCV002633399.2), dbSNP rs2518243332, ClinGen allele CA411792483.